The following is an entry in ClinVar:

NM_182961.4(SYNE1):c.2959G>A (p.Asp987Asn)

Gene: SYNE1 (spectrin repeat containing nuclear envelope protein 1; minus strand). Cytogenetic location: 6q25.2.
Variant type: single nucleotide variant.
Coding change: c.2959G>A on transcript NM_182961.4 (MANE Select); coding-DNA position 2959, G replaced by A.
Protein change: p.Asp987Asn; replaces aspartic acid 987 with asparagine.
Molecular consequence: missense variant.
Genome position (GRCh38, 1-based): chr6:152,453,654, C>T on the plus strand (G>A on the coding strand, the complement: SYNE1 is on the minus strand). VCF-style: chr6-152453654-C-T. GRCh37 (hg19) VCF-style: chr6-152774789-C-T.
Other names: c.2980G>A, p.Asp994Asn (NM_033071.5); short protein forms D987N, D994N.
Identifiers: ClinVar variation 644168 (VCV000644168.14), dbSNP rs1374710512, ClinGen allele CA366151263.

ClinVar aggregate classification (germline): Uncertain significance. Review status: criteria provided, multiple submitters, no conflicts (2 of 4 stars). 5 submissions from 5 submitters: Uncertain significance (5). Last evaluated 2025-12-29.

Conditions:
Emery-Dreifuss muscular dystrophy 4, autosomal dominant (EDMD4). Also called: EMERY-DREIFUSS MUSCULAR DYSTROPHY 4 WITH VARIABLE FEATURES. Identifiers: Orphanet 261, MedGen C2751807, MONDO:0013071, OMIM 612998.
Inborn genetic diseases. Identifiers: MedGen C0950123, MeSH D030342.
Autosomal recessive ataxia, Beauce type. Also called: Spinocerebellar ataxia, autosomal recessive 8; ATAXIA, RECESSIVE, OF BEAUCE; SYNE1 Deficiency; SYNE1-Related Autosomal Recessive Cerebellar Ataxia. Identifiers: Orphanet 88644, MedGen C1853116, MONDO:0012549, OMIM 610743.

Allele frequency attached by ClinVar (database versions not stated): gnomAD exomes below 0.00001; gnomAD 0.00001; TOPMed 0.00002.
gnomAD v4.1: 5 of 1,614,056 alleles (0.00031%); highest among the groups gnomAD compares: Admixed American, 0.0017%; no homozygotes.

Submissions (5):

Genetics and Genomic Medicine Centre, NeuroGen Healthcare, NeuroGen Healthcare
Classification: Uncertain significance for Emery-Dreifuss muscular dystrophy 4, autosomal dominant. Last evaluated: 2025-12-29. Review status: criteria provided, single submitter. Criteria: ACMG Guidelines, 2015. Collection method: clinical testing. Allele origin: unknown. Affected: yes.

Labcorp Genetics (formerly Invitae), Labcorp
Classification: Uncertain significance for Emery-Dreifuss muscular dystrophy 4, autosomal dominant; Autosomal recessive ataxia, Beauce type. Last evaluated: 2023-06-15. Review status: criteria provided, single submitter. Criteria: Invitae Variant Classification Sherloc (09022015). Collection method: clinical testing. Allele origin: germline.
Comment: This sequence change replaces aspartic acid, which is acidic and polar, with asparagine, which is neutral and polar, at codon 994 of the SYNE1 protein (p.Asp994Asn). The frequency data for this variant in the population databases is considered unreliable, as metrics indicate poor data quality at this position in the gnomAD database. This variant has not been reported in the literature in individuals affected with SYNE1-related conditions. ClinVar contains an entry for this variant (Variation ID: 644168). An algorithm developed to predict the effect of missense changes on protein structure and function (PolyPhen-2) suggests that this variant is likely to be disruptive. In summary, the available evidence is currently insufficient to determine the role of this variant in disease. Therefore, it has been classified as a Variant of Uncertain Significance.

Revvity Omics, Revvity
Classification: Uncertain significance. Last evaluated: 2023-03-22. Review status: criteria provided, single submitter. Criteria: ACMG Guidelines, 2015. Collection method: clinical testing. Allele origin: germline.

Athena Diagnostics
Classification: Uncertain significance. Last evaluated: 2021-09-28. Review status: criteria provided, single submitter. Criteria: Athena Diagnostics Criteria. Collection method: clinical testing. Allele origin: unknown.

Ambry Genetics
Classification: Uncertain significance for Inborn genetic diseases. Last evaluated: 2021-09-01. Review status: criteria provided, single submitter. Criteria: Ambry Variant Classification Scheme 2023. Collection method: clinical testing. Allele origin: germline.